The following is an entry in ClinVar:

ClinVar aggregate classification (germline): Uncertain significance (1 of 4 stars; one submission).

gnomAD v4.1: 1 of 1,613,958 alleles (0.000062%); highest among the groups gnomAD compares: East Asian, 0.0022%; no homozygotes.

Submission:

GeneDx
Classification: Uncertain significance. Last evaluated: 2021-10-04. Review status: criteria provided, single submitter. Criteria: GeneDx Variant Classification Process June 2021. Collection method: clinical testing. Allele origin: germline. Affected: yes.
Comment: Not observed in large population cohorts (Lek et al., 2016); In silico analysis supports that this missense variant has a deleterious effect on protein structure/function; Has not been previously published as pathogenic or benign to our knowledge

NM_001367561.1(DOCK7):c.256G>A (p.Asp86Asn)

Gene: DOCK7 (dedicator of cytokinesis 7; minus strand). Cytogenetic location: 1p31.3.
Variant type: single nucleotide variant.
Coding change: c.256G>A on transcript NM_001367561.1 (MANE Select); coding-DNA position 256, G replaced by A.
Protein change: p.Asp86Asn; replaces aspartic acid 86 with asparagine.
Molecular consequence: missense variant.
Genome position (GRCh38, 1-based): chr1:62,654,048, C>T on the plus strand (G>A on the coding strand, the complement: DOCK7 is on the minus strand). VCF-style: chr1-62654048-C-T. GRCh37 (hg19) VCF-style: chr1-63119719-C-T.
Other names: c.256G>A, p.Asp86Asn (NM_001271999.2, NM_001272000.2, NM_001272001.2 and 3 more transcripts); short protein forms D86N.
Identifiers: ClinVar variation 1314089 (VCV001314089.2), dbSNP rs867320510, ClinGen allele CA24019040.